The following is an entry in ClinVar:

ClinVar aggregate classification (germline): Pathogenic (1 of 4 stars; one submission).

Conditions:
Inborn errors of metabolism. Also called: Inborn error of metabolism. Identifiers: Orphanet 68367, MedGen C0025521, MONDO:0019052.

Submission:

North West Genomic Laboratory Hub, Manchester University NHS Foundation Trust
Classification: Pathogenic for Inborn error of metabolism. Last evaluated: 2025-06-24. Review status: criteria provided, single submitter. Criteria: ACGS Best Practice Guidelines for Variant Classification in Rare Disease 2024. Collection method: clinical testing. Allele origin: germline. Affected: yes.
Comment: PM3_Mod PVS1_VStr PM2_Mod

NM_002591.4(PCK1):c.1003_1004del (p.Val335fs)

Gene: PCK1 (phosphoenolpyruvate carboxykinase 1; plus strand). Cytogenetic location: 20q13.31.
Variant type: Microsatellite.
Coding change: c.1003_1004del on transcript NM_002591.4 (MANE Select); coding-DNA positions 1003 to 1004, 2 bases deleted (GT; older notation c.1003_1004delGT).
Protein change: p.Val335fs; shifts the reading frame from valine 335.
Molecular consequence: frameshift variant.
Genome position (GRCh38, 1-based): chr20:57,564,210-57,564,211, GT deleted; deleting any 2 consecutive bases within chr20:57,564,208-57,564,211 gives the same sequence; the c. name uses the placement nearest the transcript's 3' end. VCF-style (leftmost placement, unchanged base first): chr20-57564207-GGT-G. GRCh37 (hg19) VCF-style: chr20-56139263-GGT-G.
Other names: short protein forms V335fs.
Identifiers: ClinVar variation 5020071 (VCV005020071.1).